The following is an entry in ClinVar:

NM_020778.5(ALPK3):c.973C>T (p.Gln325Ter)

Gene: ALPK3 (alpha kinase 3; plus strand). Cytogenetic location: 15q25.3.
Variant type: single nucleotide variant.
Coding change: c.973C>T on transcript NM_020778.5 (MANE Select); coding-DNA position 973, C replaced by T.
Protein change: p.Gln325Ter; replaces glutamine 325 with a stop codon.
Molecular consequence: nonsense.
Genome position (GRCh38, 1-based): chr15:84,840,252, C>T. VCF-style: chr15-84840252-C-T. GRCh37 (hg19) VCF-style: chr15-85383483-C-T.
Other names: short protein forms Q325*.
Identifiers: ClinVar variation 4044942 (VCV004044942.2).

ClinVar aggregate classification (germline): Pathogenic. Review status: criteria provided, multiple submitters, no conflicts (2 of 4 stars). 2 submissions from 2 submitters: Pathogenic (2). Last evaluated 2025-09-28.

Conditions:
Cardiovascular phenotype. Identifiers: MedGen CN230736.

gnomAD v4.1: 4 of 1,613,800 alleles (0.00025%); highest among the groups gnomAD compares: Non-Finnish European, 0.00034%; no homozygotes.

Submissions (2):

Labcorp Genetics (formerly Invitae), Labcorp
Classification: Pathogenic. Last evaluated: 2025-09-28. Review status: criteria provided, single submitter. Criteria: Invitae Variant Classification Sherloc (09022015). Collection method: clinical testing. Allele origin: germline.
Comment: This sequence change creates a premature translational stop signal (p.Gln527*) in the ALPK3 gene. It is expected to result in an absent or disrupted protein product. Loss-of-function variants in ALPK3 are known to be pathogenic (PMID: 21441111, 26846950, 27106955, 34263907). This variant is not present in population databases (gnomAD no frequency). This variant has not been reported in the literature in individuals affected with ALPK3-related conditions. ClinVar contains an entry for this variant (Variation ID: 4044942). Algorithms developed to predict the effect of sequence changes on RNA splicing suggest that this variant may create or strengthen a splice site. For these reasons, this variant has been classified as Pathogenic.

Ambry Genetics
Classification: Pathogenic for Cardiovascular phenotype. Last evaluated: 2025-06-09. Review status: criteria provided, single submitter. Criteria: Ambry Variant Classification Scheme 2023. Collection method: clinical testing. Allele origin: germline.
Comment: The p.Q527* pathogenic mutation (also known as c.1579C>T), located in coding exon 5 of the ALPK3 gene, results from a C to T substitution at nucleotide position 1579. This changes the amino acid from a glutamine to a stop codon within coding exon 5. This variant is considered to be rare based on population cohorts in the Genome Aggregation Database (gnomAD). This alteration is expected to result in loss of function by premature protein truncation or nonsense-mediated mRNA decay. As such, this alteration is interpreted as a disease-causing mutation.

Literature cited by the submitters: PubMed 21441111 (cited by Labcorp Genetics (formerly Invitae), Labcorp); PubMed 26846950 (cited by Labcorp Genetics (formerly Invitae), Labcorp); PubMed 27106955 (cited by Labcorp Genetics (formerly Invitae), Labcorp); PubMed 34263907 (cited by Labcorp Genetics (formerly Invitae), Labcorp).